The following is an entry in ClinVar:

NM_015559.3(SETBP1):c.571C>T (p.Leu191Phe)

Gene: SETBP1 (SET binding protein 1; plus strand). Cytogenetic location: 18q12.3.
Variant type: single nucleotide variant.
Coding change: c.571C>T on transcript NM_015559.3 (MANE Select); coding-DNA position 571, C replaced by T.
Protein change: p.Leu191Phe; replaces leucine 191 with phenylalanine.
Molecular consequence: missense variant.
Genome position (GRCh38, 1-based): chr18:44,949,911, C>T. VCF-style: chr18-44949911-C-T. GRCh37 (hg19) VCF-style: chr18-42529876-C-T.
Other names: c.571C>T, p.Leu191Phe (NM_001379141.1, NM_001379142.1); short protein forms L191F.
Identifiers: ClinVar variation 1520612 (VCV001520612.22), dbSNP rs146994409, ClinGen allele CA8945459.

ClinVar aggregate classification (germline): Likely benign. Review status: criteria provided, multiple submitters, no conflicts (2 of 4 stars). 2 submissions from 2 submitters: Likely benign (2). Last evaluated 2025-11-24.

Allele frequency attached by ClinVar (database versions not stated): ExAC 0.00002; gnomAD exomes 0.00002; gnomAD 0.00004; ESP Exome Variant Server 0.00008.
gnomAD v4.1: 44 of 1,613,756 alleles (0.0027%); highest among the groups gnomAD compares: African/African-American, 0.004%; no homozygotes.

Submissions (2):

Labcorp Genetics (formerly Invitae), Labcorp
Classification: Likely benign. Last evaluated: 2025-11-24. Review status: criteria provided, single submitter. Criteria: Invitae Variant Classification Sherloc (09022015). Collection method: clinical testing. Allele origin: germline.

CeGaT Center for Human Genetics Tuebingen
Classification: Likely benign. Last evaluated: 2024-09-01. Review status: criteria provided, single submitter. Criteria: CeGaT Center For Human Genetics Tuebingen Variant Classification Criteria Version 2. Collection method: clinical testing. Allele origin: germline. Affected: yes. Observed: 1 variant allele.
Comment: SETBP1: BP4, BS1